The following is an entry in ClinVar:

ClinVar aggregate classification (germline): Uncertain significance (1 of 4 stars; one submission).

Conditions:
Infantile spasms. Also called: Infantile spasm. Identifiers: MedGen C3887898, HP:0012469.

Allele frequency attached by ClinVar (database versions not stated): gnomAD exomes below 0.00001 and 0.00001.
gnomAD v4.1: 4 of 1,614,048 alleles (0.00025%); highest among the groups gnomAD compares: East Asian, 0.0022%; no homozygotes.

Submission:

Labcorp Genetics (formerly Invitae), Labcorp
Classification: Uncertain significance for Infantile spasms. Last evaluated: 2021-10-21. Review status: criteria provided, single submitter. Criteria: Invitae Variant Classification Sherloc (09022015). Collection method: clinical testing. Allele origin: germline.
Comment: In summary, the available evidence is currently insufficient to determine the role of this variant in disease. Therefore, it has been classified as a Variant of Uncertain Significance. This sequence change replaces threonine with asparagine at codon 497 of the PIK3AP1 protein (p.Thr497Asn). The threonine residue is weakly conserved and there is a small physicochemical difference between threonine and asparagine. This variant is not present in population databases (ExAC no frequency). This variant has not been reported in the literature in individuals affected with PIK3AP1-related conditions. Algorithms developed to predict the effect of missense changes on protein structure and function (SIFT, PolyPhen-2, Align-GVGD) all suggest that this variant is likely to be tolerated.

NM_152309.3(PIK3AP1):c.1490C>A (p.Thr497Asn)

Gene: PIK3AP1 (phosphoinositide-3-kinase adaptor protein 1; minus strand). Cytogenetic location: 10q24.1.
Variant type: single nucleotide variant.
Coding change: c.1490C>A on transcript NM_152309.3 (MANE Select); coding-DNA position 1490, C replaced by A.
Protein change: p.Thr497Asn; replaces threonine 497 with asparagine.
Molecular consequence: missense variant.
Genome position (GRCh38, 1-based): chr10:96,626,887, G>T on the plus strand (C>A on the coding strand, the complement: PIK3AP1 is on the minus strand). VCF-style: chr10-96626887-G-T. GRCh37 (hg19) VCF-style: chr10-98386644-G-T.
Other names: short protein forms T497N.
Identifiers: ClinVar variation 1402198 (VCV001402198.6), dbSNP rs1245379804, ClinGen allele CA377756253.